The following is an entry in ClinVar:

NM_004946.3(DOCK2):c.1983G>A (p.Met661Ile)

Gene: DOCK2 (dedicator of cytokinesis 2; plus strand). Cytogenetic location: 5q35.1.
Variant type: single nucleotide variant.
Coding change: c.1983G>A on transcript NM_004946.3 (MANE Select); coding-DNA position 1983, G replaced by A.
Protein change: p.Met661Ile; replaces methionine 661 with isoleucine.
Molecular consequence: missense variant. On other transcripts: non-coding transcript variant (1).
Genome position (GRCh38, 1-based): chr5:169,716,254, G>A. VCF-style: chr5-169716254-G-A. GRCh37 (hg19) VCF-style: chr5-169143258-G-A.
Other names: short protein forms M661I.
Identifiers: ClinVar variation 1394144 (VCV001394144.5), dbSNP rs371790704, ClinGen allele CA132038163.

ClinVar aggregate classification (germline): Uncertain significance (1 of 4 stars; one submission).

Conditions:
DOCK2 deficiency. Also called: Immunodeficiency 40. Identifiers: Orphanet 447737, MedGen C4225328, MONDO:0014637, OMIM 616433.

Allele frequency attached by ClinVar (database versions not stated): gnomAD exomes below 0.00001; gnomAD 0.00001.
gnomAD v4.1: 4 of 1,613,630 alleles (0.00025%); highest among the groups gnomAD compares: African/African-American, 0.004%; no homozygotes.

Submission:

Labcorp Genetics (formerly Invitae), Labcorp
Classification: Uncertain significance for DOCK2 deficiency. Last evaluated: 2025-01-13. Review status: criteria provided, single submitter. Criteria: Invitae Variant Classification Sherloc (09022015). Collection method: clinical testing. Allele origin: germline.
Comment: This sequence change replaces methionine, which is neutral and non-polar, with isoleucine, which is neutral and non-polar, at codon 661 of the DOCK2 protein (p.Met661Ile). This variant is not present in population databases (gnomAD no frequency). This variant has not been reported in the literature in individuals affected with DOCK2-related conditions. ClinVar contains an entry for this variant (Variation ID: 1394144). An algorithm developed to predict the effect of missense changes on protein structure and function (PolyPhen-2) suggests that this variant¬†is likely to be tolerated. In summary, the available evidence is currently insufficient to determine the role of this variant in disease. Therefore, it has been classified as a Variant of Uncertain Significance.